The following is an entry in ClinVar:

NM_001003722.2(GLE1):c.1744C>T (p.Gln582Ter)

Genes: GLE1 (GLE1 RNA export mediator; plus strand), LOC101929270 (uncharacterized LOC101929270; minus strand). Cytogenetic location: 9q34.11.
Variant type: single nucleotide variant.
Coding change: c.1744C>T on transcript NM_001003722.2 (MANE Select); coding-DNA position 1744, C replaced by T.
Protein change: p.Gln582Ter; replaces glutamine 582 with a stop codon.
Molecular consequence: nonsense.
Genome position (GRCh38, 1-based): chr9:128,536,452, C>T. VCF-style: chr9-128536452-C-T. GRCh37 (hg19) VCF-style: chr9-131298731-C-T.
Other names: c.1771C>T, p.Gln591Ter (NM_001411013.1); c.1744C>T, p.Gln582Ter (NM_001499.2); short protein forms Q591*, Q582*.
Identifiers: ClinVar variation 2818827 (VCV002818827.3), dbSNP rs1847713984, ClinGen allele CA375045107.
Genomic context (GRCh38, chr9:128,536,452, plus strand): 5'-CAGCAAGACAACTTTCTAAAACGCATGTCAGGGATGATCCGTCTCTACGCTGCTATCATC[C>T]AGCTCCGGTGGCCATATGGAAACCGACAGGAGGTAGGTAAAAGAGGCTTACTGTCAATAA-3'

ClinVar aggregate classification (germline): Pathogenic (1 of 4 stars; one submission).

Allele frequency attached by ClinVar (database versions not stated): gnomAD 0.00001; gnomAD exomes 0.00001.

Submission:

Labcorp Genetics (formerly Invitae), Labcorp
Classification: Pathogenic. Last evaluated: 2023-12-20. Review status: criteria provided, single submitter. Criteria: Invitae Variant Classification Sherloc (09022015). Collection method: clinical testing. Allele origin: germline.
Comment: This sequence change creates a premature translational stop signal (p.Gln582*) in the GLE1 gene. It is expected to result in an absent or disrupted protein product. Loss-of-function variants in GLE1 are known to be pathogenic (PMID: 18204449, 24243016, 27684565). This variant is not present in population databases (gnomAD no frequency). This variant has not been reported in the literature in individuals affected with GLE1-related conditions. For these reasons, this variant has been classified as Pathogenic.

Literature cited by the submitters: PubMed 18204449; PubMed 24243016; PubMed 27684565.